The following is an entry in ClinVar:

ClinVar aggregate classification (germline): Pathogenic (1 of 4 stars; one submission).

Submission:

Labcorp Genetics (formerly Invitae), Labcorp
Classification: Pathogenic. Last evaluated: 2025-04-22. Review status: criteria provided, single submitter. Criteria: Invitae Variant Classification Sherloc (09022015). Collection method: clinical testing. Allele origin: germline.
Comment: This sequence change creates a premature translational stop signal (p.Ile23Argfs*34) in the ARPC1B gene. It is expected to result in an absent or disrupted protein product. Loss-of-function variants in ARPC1B are known to be pathogenic (PMID: 27965109, 28368018, 29127144). This variant is not present in population databases (gnomAD no frequency). This variant has not been reported in the literature in individuals affected with ARPC1B-related conditions. Algorithms developed to predict the effect of sequence changes on RNA splicing suggest that this variant may disrupt the consensus splice site. For these reasons, this variant has been classified as Pathogenic.

Literature cited by the submitters: PubMed 27965109; PubMed 28368018; PubMed 29127144.

NC_000007.14:g.99386684GA[3]

Gene: ARPC1B (actin related protein 2/3 complex subunit 1B; plus strand). Cytogenetic location: 7q22.1.
Variant type: Microsatellite.
Genome position: GRCh38 VCF-style: chr7-99386682-C-CAG. GRCh37 (hg19) VCF-style: chr7-98984305-C-CAG.
Identifiers: ClinVar variation 4718162 (VCV004718162.1).
Genomic context (GRCh38, chr7:99,386,682, plus strand): 5'-GTGTGTCCTGGCAGAGGGCAGTCATGGAGAGGGCCCCTCAATCTCCCTCCATCTCCCCTT[C>CAG]AGAGATTGCCATCTGCCCCAACAACCATGAGGTGCATATCTATGAAAAGAGCGGTGCCAA-3'